The following is an entry in ClinVar:

ClinVar aggregate classification (germline): Uncertain significance. Review status: criteria provided, multiple submitters, no conflicts (2 of 4 stars). 2 submissions from 2 submitters: Uncertain significance (2). Last evaluated 2025-04-10.

Conditions:
Myoclonic dystonia 11 (DYT11). Also called: Myoclonic dystonia; Dystonia 11; Dystonia, alcohol responsive; Hereditary essential myoclonus; SGCE Myoclonus-Dystonia; Myoclonus-Dystonia. Identifiers: Orphanet 36899, MedGen C1834570, MONDO:0008044, OMIM 159900.

gnomAD v4.1: 2 of 1,613,862 alleles (0.00012%); highest among the groups gnomAD compares: Admixed American, 0.0017%; no homozygotes.

Submissions (2):

GeneDx
Classification: Uncertain significance. Last evaluated: 2025-04-10. Review status: criteria provided, single submitter. Criteria: GeneDx Variant Classification Process June 2021. Collection method: clinical testing. Allele origin: germline. Affected: yes.
Comment: Reported in a proband with Parkinson's disease but no dystonia (PMID: 38214203); Not observed at significant frequency in large population cohorts (gnomAD); In silico analysis supports that this missense variant has a deleterious effect on protein structure/function; This variant is associated with the following publications: (PMID: 38214203)

Revvity Omics, Revvity
Classification: Uncertain significance for Myoclonic dystonia 11. Last evaluated: 2023-10-03. Review status: criteria provided, single submitter. Criteria: ACMG Guidelines, 2015. Collection method: clinical testing. Allele origin: germline.

NM_003919.3(SGCE):c.502A>C (p.Asn168His)

Genes: CASD1 (CAS1 domain sialic acid O acetyltransferase 1; plus strand), SGCE (sarcoglycan epsilon; minus strand). Cytogenetic location: 7q21.3.
Variant type: single nucleotide variant.
Coding change: c.502A>C on transcript NM_003919.3 (MANE Select); coding-DNA position 502, A replaced by C.
Protein change: p.Asn168His; replaces asparagine 168 with histidine.
Molecular consequence: missense variant.
Genome position (GRCh38, 1-based): chr7:94,618,918, T>G on the plus strand (A>C on the coding strand, the complement: SGCE is on the minus strand). VCF-style: chr7-94618918-T-G. GRCh37 (hg19) VCF-style: chr7-94248230-T-G.
Other names: c.502A>C (NM_003919.2); c.502A>C, p.Asn168His (NM_001099400.2, NM_001099401.2, NM_001346717.2); c.379A>C, p.Asn127His (NM_001301139.2, NM_001362809.2); c.610A>C, p.Asn204His (NM_001346713.2, NM_001346715.2); c.415A>C, p.Asn139His (NM_001346719.2, NM_001362807.2); c.229A>C, p.Asn77His (NM_001346720.2, NM_001362808.2); short protein forms N127H, N139H, N168H, N204H, N77H.
Identifiers: ClinVar variation 4080036 (VCV004080036.2).
Genomic context (GRCh38, chr7:94,618,918, plus strand): 5'-TCACTGCGCCAAGAAAGTCTCCAAGAACCTCACTGGCCAACATTTCTTCTACATTCATAT[T>G]CTTAATGAAGAATTCTGCTTGATATGGCAACGGGAAGTCTAATTTTGGTGAAAAAGGGCA-3'
Protein context (NP_003910.1, residues 158-178): LPYQAEFFIK[Asn168His]MNVEEMLASE